The following is an entry in ClinVar:

NM_000116.5(TAFAZZIN):c.154G>T (p.Glu52Ter)

Gene: TAFAZZIN (tafazzin, phospholipid-lysophospholipid transacylase; plus strand). Cytogenetic location: Xq28.
Variant type: single nucleotide variant.
Coding change: c.154G>T on transcript NM_000116.5 (MANE Select); coding-DNA position 154, G replaced by T.
Protein change: p.Glu52Ter; replaces glutamic acid 52 with a stop codon.
Molecular consequence: nonsense. On other transcripts: non-coding transcript variant (1).
Genome position (GRCh38, 1-based): chrX:154,412,130, G>T. VCF-style: chrX-154412130-G-T. GRCh37 (hg19) VCF-style: chrX-153640467-G-T.
Other names: p.E52*:GAG>TAG; c.208G>T, p.Glu70Ter (NM_001303465.2); c.154G>T, p.Glu52Ter (NM_181311.4, NM_181312.4, NM_181313.4); short protein forms E52*, E70*.
Identifiers: ClinVar variation 202091 (VCV000202091.3), dbSNP rs794729166, ClinGen allele CA308797.

ClinVar aggregate classification (germline): Pathogenic. Review status: criteria provided, multiple submitters, no conflicts (2 of 4 stars). 2 submissions from 2 submitters: Pathogenic (2). Last evaluated 2024-11-19.

Conditions:
3-Methylglutaconic aciduria type 2 (BTHS). Also called: CARDIOSKELETAL MYOPATHY WITH NEUTROPENIA AND ABNORMAL MITOCHONDRIA; Barth syndrome. Identifiers: Orphanet 111, MedGen C0574083, MONDO:0010543, OMIM 302060.

Submissions (2):

Labcorp Genetics (formerly Invitae), Labcorp
Classification: Pathogenic for 3-Methylglutaconic aciduria type 2. Last evaluated: 2024-11-19. Review status: criteria provided, single submitter. Criteria: Invitae Variant Classification Sherloc (09022015). Collection method: clinical testing. Allele origin: germline.
Comment: This sequence change creates a premature translational stop signal (p.Glu52*) in the TAZ gene. It is expected to result in an absent or disrupted protein product. Loss-of-function variants in TAZ are known to be pathogenic (PMID: 16427346, 22382802, 23409742). This variant is not present in population databases (gnomAD no frequency). This variant has not been reported in the literature in individuals affected with TAZ-related conditions. ClinVar contains an entry for this variant (Variation ID: 202091). For these reasons, this variant has been classified as Pathogenic.

GeneDx
Classification: Pathogenic. Last evaluated: 2013-05-03. Review status: criteria provided, single submitter. Criteria: GeneDx Variant Classification (06012015). Collection method: clinical testing. Allele origin: germline. Affected: yes.
Comment: p.Glu52Stop (GAG>TAG): c.154 G>T in exon 2 of the TAZ gene (NM_000116.3). The Glu52Stop mutation in the TAZ gene has not been reported as a disease-causing mutation or as a benign polymorphism to our knowledge. Glu52Stop is predicted to cause loss of normal protein function either by protein truncation or nonsense-mediated mRNA decay. Other nonsense mutations in the TAZ gene, including one affecting a neighboring residue, Tyr51Stop, have been reported in association with Barth syndrome. The Glu52Stop mutation was not observed in approximately 5,400 individuals of European and African American ancestry in the NHLBI Exome Sequencing Project, indicating it is not a common benign variant in these populations. Glu52Stop has been observed in other unrelated individuals at GeneDx. In summary, Glu52Stop in the TAZ gene is interpreted as a disease-causing mutation. The variant is found in DCM panel(s).

Literature cited by the submitters: PubMed 16427346 (cited by Labcorp Genetics (formerly Invitae), Labcorp); PubMed 22382802 (cited by Labcorp Genetics (formerly Invitae), Labcorp); PubMed 23409742 (cited by Labcorp Genetics (formerly Invitae), Labcorp).